The following is an entry in ClinVar:

ClinVar aggregate classification (germline): Likely benign (1 of 4 stars; one submission).

Submission:

CeGaT Center for Human Genetics Tuebingen
Classification: Likely benign. Last evaluated: 2025-02-01. Review status: criteria provided, single submitter. Criteria: CeGaT Center For Human Genetics Tuebingen Variant Classification Criteria Version 2. Collection method: clinical testing. Allele origin: germline. Affected: yes. Observed: 1 variant allele.
Comment: PPP1R3F: BP4, BP7

NM_033215.5(PPP1R3F):c.1518T>G (p.Gly506=)

Gene: PPP1R3F (protein phosphatase 1 regulatory subunit 3F; plus strand). Cytogenetic location: Xp11.23.
Variant type: single nucleotide variant.
Coding change: c.1518T>G on transcript NM_033215.5 (MANE Select); coding-DNA position 1518, T replaced by G.
Protein change: p.Gly506=; no amino-acid change (glycine 506 retained).
Molecular consequence: synonymous variant.
Genome position (GRCh38, 1-based): chrX:49,286,208, T>G. VCF-style: chrX-49286208-T-G. GRCh37 (hg19) VCF-style: chrX-49142670-T-G.
Other names: c.480T>G, p.Gly160= (NM_001184745.2).
Identifiers: ClinVar variation 3771022 (VCV003771022.13).